The following is an entry in ClinVar:

NM_000553.6(WRN):c.840-13A>G

Gene: WRN (WRN RecQ like helicase; plus strand). Cytogenetic location: 8p12.
Variant type: single nucleotide variant.
Coding change: c.840-13A>G on transcript NM_000553.6 (MANE Select); 13 bases into the intron before coding-DNA position 840, A replaced by G.
Molecular consequence: intron variant.
Genome position (GRCh38, 1-based): chr8:31,080,854, A>G. VCF-style: chr8-31080854-A-G. GRCh37 (hg19) VCF-style: chr8-30938370-A-G.
Identifiers: ClinVar variation 1424026 (VCV001424026.8), dbSNP rs1563338476, ClinGen allele CA580996589.

ClinVar aggregate classification (germline): Uncertain significance (1 of 4 stars; one submission).

Conditions:
Werner syndrome (WRN). Identifiers: Orphanet 902, MedGen C0043119, MONDO:0010196, OMIM 277700.

Allele frequency attached by ClinVar (database versions not stated): gnomAD exomes below 0.00001 and 0.00002.

Submissions (2):

Labcorp Genetics (formerly Invitae), Labcorp
Classification: Uncertain significance for Werner syndrome. Last evaluated: 2023-09-26. Review status: criteria provided, single submitter. Criteria: Invitae Variant Classification Sherloc (09022015). Collection method: clinical testing. Allele origin: germline.
Comment: This sequence change falls in intron 8 of the WRN gene. It does not directly change the encoded amino acid sequence of the WRN protein. This variant is present in population databases (no rsID available, gnomAD 0.03%). This variant has not been reported in the literature in individuals affected with WRN-related conditions. ClinVar contains an entry for this variant (Variation ID: 1424026). Studies have shown that this variant is associated with altered splicing resulting in unknown protein product impact (Invitae). In summary, the available evidence is currently insufficient to determine the role of this variant in disease. Therefore, it has been classified as a Variant of Uncertain Significance.

Dr. Peter K. Rogan Lab, Western University
No classification provided (evidence only). Condition: Cervical cancer. Review status: no classification provided. Collection method: in vitro. Allele origin: not applicable. Functional consequence: retained intron. Not counted in ClinVar's aggregate classification.